The following is an entry in ClinVar:

ClinVar aggregate classification (germline): Uncertain significance (1 of 4 stars; one submission).

Allele frequency attached by ClinVar (database versions not stated): gnomAD 0.00002; TOPMed 0.00005; gnomAD exomes 0.00006; ExAC 0.00009.
gnomAD v4.1: 23 of 1,613,048 alleles (0.0014%); highest among the groups gnomAD compares: Admixed American, 0.035%; no homozygotes.

Submission:

Labcorp Genetics (formerly Invitae), Labcorp
Classification: Uncertain significance. Last evaluated: 2025-10-01. Review status: criteria provided, single submitter. Criteria: Invitae Variant Classification Sherloc (09022015). Collection method: clinical testing. Allele origin: germline.
Comment: This sequence change replaces lysine, which is basic and polar, with glutamine, which is neutral and polar, at codon 1245 of the SCN3A protein (p.Lys1245Gln). This variant is present in population databases (rs769153045, gnomAD 0.03%). This missense change has been observed in individual(s) with clinical features of SCN3A-related conditions (internal data). ClinVar contains an entry for this variant (Variation ID: 969074). Invitae Evidence Modeling of protein sequence and biophysical properties (such as structural, functional, and spatial information, amino acid conservation, physicochemical variation, residue mobility, and thermodynamic stability) indicates that this missense variant is not expected to disrupt SCN3A protein function with a negative predictive value of 80%. In summary, the available evidence is currently insufficient to determine the role of this variant in disease. Therefore, it has been classified as a Variant of Uncertain Significance.

NM_006922.4(SCN3A):c.3733A>C (p.Lys1245Gln)

Gene: SCN3A (sodium voltage-gated channel alpha subunit 3; minus strand). Cytogenetic location: 2q24.3.
Variant type: single nucleotide variant.
Coding change: c.3733A>C on transcript NM_006922.4 (MANE Select); coding-DNA position 3733, A replaced by C.
Protein change: p.Lys1245Gln; replaces lysine 1245 with glutamine.
Molecular consequence: missense variant.
Genome position (GRCh38, 1-based): chr2:165,112,995, T>G on the plus strand (A>C on the coding strand, the complement: SCN3A is on the minus strand). VCF-style: chr2-165112995-T-G. GRCh37 (hg19) VCF-style: chr2-165969505-T-G.
Other names: c.3586A>C, p.Lys1196Gln (NM_001081676.2, NM_001081677.2); short protein forms K1245Q, K1196Q.
Identifiers: ClinVar variation 969074 (VCV000969074.10), dbSNP rs769153045, ClinGen allele CA1938725.
Genomic context (GRCh38, chr2:165,112,995, plus strand): 5'-GAAATCCATAAGCAACCCATTTGAGAAGCATTTCCAGAATGAATATATAGGTAAAGACTT[T>G]GTCAGCATATTCTAGCATGGTTTTGATAGTCTTTCGCTGTTCAATGTATATATCTTCAAA-3'
Protein context (NP_008853.3, residues 1235-1255): TIKTMLEYAD[Lys1245Gln]VFTYIFILEM